The following is an entry in ClinVar:

NM_000430.4(PAFAH1B1):c.257_258insGTC (p.Gly86_Gln87insSer)

Gene: PAFAH1B1 (platelet activating factor acetylhydrolase 1b regulatory subunit 1; plus strand). Cytogenetic location: 17p13.3.
Variant type: Insertion.
Coding change: c.257_258insGTC on transcript NM_000430.4 (MANE Select); coding-DNA positions 257 to 258, GTC inserted.
Protein change: p.Gly86_Gln87insSer.
Genome position: GRCh38 VCF-style: chr17-2667056-G-GGTC. GRCh37 (hg19) VCF-style: chr17-2570350-G-GGTC.
Identifiers: ClinVar variation 3044714 (VCV003044714.2), dbSNP rs2544090089, ClinGen allele CA2740095200.

ClinVar aggregate classification (germline): Uncertain significance (0 of 4 stars; one submission).

Conditions:
PAFAH1B1-related disorder. Also called: PAFAH1B1-related condition.

Submission:

PreventionGenetics, part of Exact Sciences
Classification: Uncertain significance for PAFAH1B1-related condition. Last evaluated: 2023-12-21. Review status: no assertion criteria provided. Collection method: clinical testing. Allele origin: germline.
Comment: The PAFAH1B1 c.257_258insGTC variant is predicted to result in an in-frame amino acid insertion (p.Gly86_Gln87insSer). To our knowledge, this variant has not been reported in the literature or in a large population database, indicating this variant is rare. At this time, the clinical significance of this variant is uncertain due to the absence of conclusive functional and genetic evidence.